The following is an entry in ClinVar:

ClinVar aggregate classification (germline): Uncertain significance (1 of 4 stars; one submission).

gnomAD v4.1: 5 of 1,589,056 alleles (0.00031%); highest among the groups gnomAD compares: African/African-American, 0.0027%; no homozygotes.

Submission:

Labcorp Genetics (formerly Invitae), Labcorp
Classification: Uncertain significance. Last evaluated: 2024-05-08. Review status: criteria provided, single submitter. Criteria: Invitae Variant Classification Sherloc (09022015). Collection method: clinical testing. Allele origin: germline.
Comment: This sequence change replaces arginine, which is basic and polar, with glutamine, which is neutral and polar, at codon 526 of the NPR3 protein (p.Arg526Gln). The frequency data for this variant in the population databases is considered unreliable, as metrics indicate poor data quality at this position in the gnomAD database. This variant has not been reported in the literature in individuals affected with NPR3-related conditions. An algorithm developed to predict the effect of missense changes on protein structure and function (PolyPhen-2) suggests that this variant is likely to be disruptive. In summary, the available evidence is currently insufficient to determine the role of this variant in disease. Therefore, it has been classified as a Variant of Uncertain Significance.

NM_001204375.2(NPR3):c.1580G>A (p.Arg527Gln)

Gene: NPR3 (natriuretic peptide receptor 3; plus strand). Cytogenetic location: 5p13.3.
Variant type: single nucleotide variant.
Coding change: c.1580G>A on transcript NM_001204375.2 (MANE Select); coding-DNA position 1580, G replaced by A.
Protein change: p.Arg527Gln; replaces arginine 527 with glutamine.
Molecular consequence: missense variant.
Genome position (GRCh38, 1-based): chr5:32,786,299, G>A. VCF-style: chr5-32786299-G-A. GRCh37 (hg19) VCF-style: chr5-32786405-G-A.
Other names: c.1577G>A, p.Arg526Gln (NM_000908.4); c.929G>A, p.Arg310Gln (NM_001204376.2); c.932G>A, p.Arg311Gln (NM_001363652.2); c.860G>A, p.Arg287Gln (NM_001364458.2); c.809G>A, p.Arg270Gln (NM_001364460.2); short protein forms R270Q, R287Q, R310Q, R311Q, R526Q, R527Q.
Identifiers: ClinVar variation 3628935 (VCV003628935.2).
Genomic context (GRCh38, chr5:32,786,299, plus strand): 5'-AATACAGAATAACCATTGAGAGGCGAACCCAGCAAGAAGAAAGTAACCTTGGAAAACATC[G>A]GGAATTACGGGAAGATTCCATCAGATCCCATTTTTCAGTAGCTTAAAGGAAGCCCCCCAC-3'
Protein context (NP_001191304.1, residues 517-537): QQEESNLGKH[Arg527Gln]ELREDSIRSH